The following is an entry in ClinVar:

ClinVar aggregate classification (germline): Uncertain significance (1 of 4 stars; one submission).

Submission:

Ambry Genetics
Classification: Uncertain significance. Last evaluated: 2024-02-11. Review status: criteria provided, single submitter. Criteria: Ambry Variant Classification Scheme 2023. Collection method: clinical testing. Allele origin: germline.
Comment: The p.P67H variant (also known as c.200C>A), located in coding exon 1 of the TERF2IP gene, results from a C to A substitution at nucleotide position 200. The proline at codon 67 is replaced by histidine, an amino acid with similar properties. This amino acid position is conserved. In addition, the in silico prediction for this alteration is inconclusive. Based on the available evidence, the clinical significance of this alteration remains unclear.

NM_018975.4(TERF2IP):c.200C>A (p.Pro67His)

Gene: TERF2IP (TERF2 interacting protein; plus strand). Cytogenetic location: 16q23.1.
Variant type: single nucleotide variant.
Coding change: c.200C>A on transcript NM_018975.4 (MANE Select); coding-DNA position 200, C replaced by A.
Protein change: p.Pro67His; replaces proline 67 with histidine.
Molecular consequence: missense variant. On other transcripts: non-coding transcript variant (1).
Genome position (GRCh38, 1-based): chr16:75,648,082, C>A. VCF-style: chr16-75648082-C-A. GRCh37 (hg19) VCF-style: chr16-75681980-C-A.
Other names: short protein forms P67H.
Identifiers: ClinVar variation 3227160 (VCV003227160.1), dbSNP rs2507072965, ClinGen allele CA396817424.